The following is an entry in ClinVar:

NM_174936.4(PCSK9):c.1726C>T (p.Pro576Ser)

Gene: PCSK9 (proprotein convertase subtilisin/kexin type 9; plus strand). Cytogenetic location: 1p32.3.
Variant type: single nucleotide variant.
Coding change: c.1726C>T on transcript NM_174936.4 (MANE Select); coding-DNA position 1726, C replaced by T.
Protein change: p.Pro576Ser; replaces proline 576 with serine.
Molecular consequence: missense variant.
Genome position (GRCh38, 1-based): chr1:55,061,419, C>T. VCF-style: chr1-55061419-C-T. GRCh37 (hg19) VCF-style: chr1-55527092-C-T.
Other names: c.1849C>T, p.Pro617Ser (NM_001407240.1); c.1768C>T, p.Pro590Ser (NM_001407241.1); c.1729C>T, p.Pro577Ser (NM_001407242.1); c.1669C>T, p.Pro557Ser (NM_001407243.1); c.1552C>T, p.Pro518Ser (NM_001407244.1); c.1534C>T, p.Pro512Ser (NM_001407245.1); c.1351C>T, p.Pro451Ser (NM_001407246.1); c.1225C>T, p.Pro409Ser (NM_001407247.1); short protein forms P576S, P451S, P590S, P518S, P577S, P617S, P409S, P512S.
Identifiers: ClinVar variation 923756 (VCV000923756.7), dbSNP rs1361987459, ClinGen allele CA340480244.

ClinVar aggregate classification (germline): Uncertain significance. Review status: criteria provided, multiple submitters, no conflicts (2 of 4 stars). 3 submissions from 3 submitters: Uncertain significance (3). Last evaluated 2024-03-17.

Conditions:
Familial hypercholesterolemia. Also called: Familial hypercholesterolemias; Familial hypercholesterolaemia. Identifiers: MedGen C0020445, MONDO:0005439.
Hypercholesterolemia, autosomal dominant, 3 (FHCL3). Also called: Familial hypercholesterolemia 3; Familial Hypercholesterolemia, Autosomal Dominant, 3; PCSK9-Related Familial Hypercholesterolemia, Autosomal Dominant. Identifiers: MedGen C1863551, MONDO:0011369, OMIM 603776.

Allele frequency attached by ClinVar (database versions not stated): gnomAD exomes below 0.00001.
gnomAD v4.1: 1 of 1,610,768 alleles (0.000062%); highest among the groups gnomAD compares: Non-Finnish European, 0.000085%; no homozygotes.

Submissions (3):

Labcorp Genetics (formerly Invitae), Labcorp
Classification: Uncertain significance for Hypercholesterolemia, autosomal dominant, 3. Last evaluated: 2024-03-17. Review status: criteria provided, single submitter. Criteria: Invitae Variant Classification Sherloc (09022015). Collection method: clinical testing. Allele origin: germline.
Comment: This sequence change replaces proline, which is neutral and non-polar, with serine, which is neutral and polar, at codon 576 of the PCSK9 protein (p.Pro576Ser). This variant is present in population databases (no rsID available, gnomAD 0.0009%). This variant has not been reported in the literature in individuals affected with PCSK9-related conditions. ClinVar contains an entry for this variant (Variation ID: 923756). Advanced modeling of protein sequence and biophysical properties (such as structural, functional, and spatial information, amino acid conservation, physicochemical variation, residue mobility, and thermodynamic stability) performed at Invitae indicates that this missense variant is not expected to disrupt PCSK9 protein function with a negative predictive value of 80%. In summary, the available evidence is currently insufficient to determine the role of this variant in disease. Therefore, it has been classified as a Variant of Uncertain Significance.

Color Diagnostics, LLC DBA Color Health
Classification: Uncertain significance for Familial hypercholesterolemia. Last evaluated: 2024-03-06. Review status: criteria provided, single submitter. Criteria: ACMG Guidelines, 2015. Collection method: clinical testing. Allele origin: germline.
Comment: This missense variant replaces proline with serine at codon 576 of the PCSK9 protein. Computational prediction tools indicate that this variant has a neutral impact on protein structure and function. To our knowledge, functional studies have not been reported for this variant. This variant has not been reported in individuals affected with PCSK9-related disorders in the literature. This variant has been identified in 1/242500 chromosomes in the general population by the Genome Aggregation Database (gnomAD). The available evidence is insufficient to determine the role of this variant in disease conclusively. Therefore, this variant is classified as a Variant of Uncertain Significance.

All of Us Research Program, National Institutes of Health
Classification: Uncertain significance for Hypercholesterolemia, autosomal dominant, 3. Last evaluated: 2024-02-22. Review status: criteria provided, single submitter. Criteria: ACMG Guidelines, 2015. Collection method: clinical testing. Allele origin: germline. Inheritance: Autosomal dominant inheritance. Observed: 1 variant allele, 1 heterozygote.
Comment: This missense variant replaces proline with serine at codon 576 of the PCSK9 protein. Computational prediction suggests that this variant may not impact protein structure and function (internally defined REVEL score threshold <= 0.5, PMID: 27666373). Splice site prediction tools suggest that this variant may not impact RNA splicing. To our knowledge, functional studies have not been performed for this variant. This variant has not been reported in individuals affected with familial hypercholesterolemia in the literature. This variant has been identified in 1/242500 chromosomes in the general population by the Genome Aggregation Database (gnomAD). The available evidence is insufficient to determine the role of this variant in disease conclusively. Therefore, this variant is classified as a Variant of Uncertain Significance.

This study involves interpretation of variants in research participants for the purpose of population health screening. Participant phenotype was not available at the time of variant classification. Additional details can be found in publication PMID: 35346344, PMCID: PMC8962531